The following is an entry in ClinVar:

ClinVar aggregate classification (germline): Likely benign. Review status: criteria provided, multiple submitters, no conflicts (2 of 4 stars). 3 submissions from 3 submitters: Likely benign (2). 1 of the submissions does not count toward it. Last evaluated 2025-12-11.

Conditions:
Jeune thoracic dystrophy. Also called: Jeune syndrome; Infantile thoracic dystrophy; Thoracic pelvic phalangeal dystrophy; Jeune's syndrome; Chondroectodermal dysplasia-like syndrome; Short-rib thoracic dysplasia. Identifiers: Orphanet 474, MedGen C0265275, MONDO:0018770.
Nephronophthisis. Also called: Juvenile Nephronophthisis. Identifiers: Orphanet 655, MedGen C0687120, MONDO:0019005, HP:0000090.
TTC21B-related disorder. Also called: TTC21B-related disorders; TTC21B-related condition.

Allele frequency attached by ClinVar (database versions not stated): gnomAD exomes below 0.00001; TOPMed below 0.00001.
gnomAD v4.1: 2 of 1,612,966 alleles (0.00012%); no homozygotes.

Submissions (3):

Labcorp Genetics (formerly Invitae), Labcorp
Classification: Likely benign for Jeune thoracic dystrophy; Nephronophthisis. Last evaluated: 2025-12-11. Review status: criteria provided, single submitter. Criteria: Invitae Variant Classification Sherloc (09022015). Collection method: clinical testing. Allele origin: germline.

Blueprint Genetics
Classification: Likely benign. Last evaluated: 2024-08-30. Review status: criteria provided, single submitter. Criteria: ACMG Guidelines, 2015. Collection method: clinical testing. Allele origin: germline.

PreventionGenetics, part of Exact Sciences
Classification: Likely benign for TTC21B-related condition. Last evaluated: 2019-09-13. Review status: no assertion criteria provided. Collection method: clinical testing. Allele origin: germline. Not counted in ClinVar's aggregate classification.
Comment: This variant is classified as likely benign based on ACMG/AMP sequence variant interpretation guidelines (Richards et al. 2015 PMID: 25741868, with internal and published modifications).

NM_024753.5(TTC21B):c.2181C>T (p.Leu727=)

Gene: TTC21B (tetratricopeptide repeat domain 21B; minus strand). Cytogenetic location: 2q24.3.
Variant type: single nucleotide variant.
Coding change: c.2181C>T on transcript NM_024753.5 (MANE Select); coding-DNA position 2181, C replaced by T.
Protein change: p.Leu727=; no amino-acid change (leucine 727 retained).
Molecular consequence: synonymous variant.
Genome position (GRCh38, 1-based): chr2:165,913,604, G>A on the plus strand (C>T on the coding strand, the complement: TTC21B is on the minus strand). VCF-style: chr2-165913604-G-A. GRCh37 (hg19) VCF-style: chr2-166770114-G-A.
Identifiers: ClinVar variation 696319 (VCV000696319.12), dbSNP rs1293610485, ClinGen allele CA429899512.